The following is an entry in ClinVar:

NM_001378189.1(CFAP57):c.777A>G (p.Pro259=)

Genes: CFAP57 (cilia and flagella associated protein 57; plus strand), EBNA1BP2 (EBNA1 binding protein 2; minus strand), LOC105378685 (uncharacterized LOC105378685; minus strand). Cytogenetic location: 1p34.2.
Variant type: single nucleotide variant.
Coding change: c.777A>G on transcript NM_001378189.1 (MANE Select); coding-DNA position 777, A replaced by G.
Protein change: p.Pro259=; no amino-acid change (proline 259 retained).
Molecular consequence: synonymous variant.
Genome position (GRCh38, 1-based): chr1:43,185,164, A>G. VCF-style: chr1-43185164-A-G. GRCh37 (hg19) VCF-style: chr1-43650835-A-G.
Other names: c.777A>G, p.Pro259= (NM_001167965.1, NM_001195831.3, NM_152498.3).
Identifiers: ClinVar variation 3040154 (VCV003040154.2), dbSNP rs140557499, ClinGen allele CA804463.
Genomic context (GRCh38, chr1:43,185,164, plus strand): 5'-CAAGATTGTCTCTATAAATTATGTATGCTGTTTTTTTGTTTCCAGCCTGATTGAATTTCC[A>G]CCAGTCAGTTCTCCACTCCCTTCCTATGAACAGATGGTGGCGGCCAGTAGCCATAGCCAG-3'
Protein context (NP_001365118.1, residues 249-269): IQESESLIEF[Pro259=]PVSSPLPSYE

ClinVar aggregate classification (germline): Likely benign (0 of 4 stars; one submission).

Conditions:
CFAP57-related disorder. Also called: CFAP57-related condition.

Allele frequency attached by ClinVar (database versions not stated): gnomAD exomes 0.00007; ExAC 0.00011; TOPMed 0.00021; gnomAD 0.00025; ESP Exome Variant Server 0.00038.
gnomAD v4.1: 145 of 1,613,790 alleles (0.009%); highest among the groups gnomAD compares: African/African-American, 0.099%; no homozygotes.

Submission:

PreventionGenetics, part of Exact Sciences
Classification: Likely benign for CFAP57-related condition. Last evaluated: 2020-02-14. Review status: no assertion criteria provided. Collection method: clinical testing. Allele origin: germline.
Comment: This variant is classified as likely benign based on ACMG/AMP sequence variant interpretation guidelines (Richards et al. 2015 PMID: 25741868, with internal and published modifications).